The following is an entry in ClinVar:

NM_000455.5(STK11):c.41A>G (p.Glu14Gly)

Gene: STK11 (serine/threonine kinase 11; plus strand). Cytogenetic location: 19p13.3.
Variant type: single nucleotide variant.
Coding change: c.41A>G on transcript NM_000455.5 (MANE Select); coding-DNA position 41, A replaced by G.
Protein change: p.Glu14Gly; replaces glutamic acid 14 with glycine.
Molecular consequence: missense variant.
Genome position (GRCh38, 1-based): chr19:1,206,954, A>G. VCF-style: chr19-1206954-A-G. GRCh37 (hg19) VCF-style: chr19-1206953-A-G.
Other names: short protein forms E14G.
Identifiers: ClinVar variation 185666 (VCV000185666.23), dbSNP rs750708224, ClinGen allele CA022924.

ClinVar aggregate classification (germline): Uncertain significance. Review status: criteria provided, multiple submitters, no conflicts (2 of 4 stars). 7 submissions from 7 submitters: Uncertain significance (7). Last evaluated 2026-05-04.

Conditions:
Hereditary cancer-predisposing syndrome. Also called: Tumor predisposition; Hereditary neoplastic syndrome; Neoplastic Syndromes, Hereditary; Hereditary Cancer Syndrome. Identifiers: Orphanet 140162, MedGen C0027672, MeSH D009386, MONDO:0015356.
Peutz-Jeghers syndrome (PJS). Also called: Peutz-Jeghers polyposis; Periorificial lentiginosis syndrome; POLYPOSIS, HAMARTOMATOUS INTESTINAL; POLYPS-AND-SPOTS SYNDROME. Identifiers: Orphanet 2869, MedGen C0031269, MeSH D010580, MONDO:0008280, OMIM 175200.

Allele frequency attached by ClinVar (database versions not stated): gnomAD exomes 0.00002 and 0.00001; ExAC 0.00007.
gnomAD v4.1: 3 of 1,606,480 alleles (0.00019%); highest among the groups gnomAD compares: South Asian, 0.0011%; no homozygotes.

Submissions (7):

Women's Health and Genetics/Laboratory Corporation of America, LabCorp
Classification: Uncertain significance. Last evaluated: 2026-05-04. Review status: criteria provided, single submitter. Criteria: LabCorp Variant Classification Summary - May 2015. Collection method: clinical testing. Allele origin: germline.
Comment: Variant summary: STK11 c.41A>G (p.Glu14Gly) results in a non-conservative amino acid change in the encoded protein sequence. Algorithms developed to predict the effect of missense changes on protein structure and function are either unavailable or do not agree on the potential impact of this missense change. The variant allele was found at a frequency of 1.7e-05 in 233740 control chromosomes. The available data on variant occurrences in the general population are insufficient to allow any conclusion about variant significance. To our knowledge, no occurrence of c.41A>G in individuals affected with STK11-related conditions and no experimental evidence demonstrating its impact on protein function have been reported. ClinVar contains an entry for this variant (Variation ID: 185666). Based on the evidence outlined above, the variant was classified as uncertain significance.

Color Diagnostics, LLC DBA Color Health
Classification: Uncertain significance for Hereditary cancer-predisposing syndrome. Last evaluated: 2025-11-04. Review status: criteria provided, single submitter. Criteria: ACMG Guidelines, 2015. Collection method: clinical testing. Allele origin: germline.
Comment: This missense variant replaces glutamic acid with glycine at codon 14 of the STK11 protein. Computational prediction suggests that this variant may not impact protein structure and function. To our knowledge, functional studies have not been reported for this variant. This variant has not been reported in individuals affected with STK11-related disorders in the literature. This variant has been identified in 3/1454500 chromosomes in the general population by the Genome Aggregation Database (gnomAD). The available evidence is insufficient to determine the role of this variant in disease conclusively. Therefore, this variant is classified as a Variant of Uncertain Significance.

All of Us Research Program, National Institutes of Health
Classification: Uncertain significance for Peutz-Jeghers syndrome. Last evaluated: 2023-12-18. Review status: criteria provided, single submitter. Criteria: ACMG Guidelines, 2015. Collection method: clinical testing. Allele origin: germline. Inheritance: Autosomal dominant inheritance. Observed: 1 variant allele, 1 heterozygote.
Comment: This missense variant replaces glutamic acid with glycine at codon 14 of the STK11 protein. Computational prediction is inconclusive regarding the impact of this variant on protein structure and function (internally defined REVEL score threshold 0.5 < inconclusive < 0.7, PMID: 27666373). To our knowledge, functional studies have not been reported for this variant. This variant has not been reported in individuals affected lung adenocarcinoma (PMID: 27060149). This variant has been identified in 4/233740 chromosomes in the general population by the Genome Aggregation Database (gnomAD). The available evidence is insufficient to determine the role of this variant in disease conclusively. Therefore, this variant is classified as a Variant of Uncertain Significance.

This study involves interpretation of variants in research participants for the purpose of population health screening. Participant phenotype was not available at the time of variant classification. Additional details can be found in publication PMID: 35346344, PMCID: PMC8962531

Ambry Genetics
Classification: Uncertain significance for Hereditary cancer-predisposing syndrome. Last evaluated: 2023-11-17. Review status: criteria provided, single submitter. Criteria: Ambry Variant Classification Scheme 2023. Collection method: clinical testing. Allele origin: germline.
Comment: The p.E14G variant (also known as c.41A>G), located in coding exon 1 of the STK11 gene, results from an A to G substitution at nucleotide position 41. The glutamic acid at codon 14 is replaced by glycine, an amino acid with similar properties. This amino acid position is highly conserved in available vertebrate species. In addition, the in silico prediction for this alteration is inconclusive. Since supporting evidence is limited at this time, the clinical significance of this alteration remains unclear.

Labcorp Genetics (formerly Invitae), Labcorp
Classification: Uncertain significance for Peutz-Jeghers syndrome. Last evaluated: 2023-08-17. Review status: criteria provided, single submitter. Criteria: Invitae Variant Classification Sherloc (09022015). Collection method: clinical testing. Allele origin: germline.
Comment: This sequence change replaces glutamic acid, which is acidic and polar, with glycine, which is neutral and non-polar, at codon 14 of the STK11 protein (p.Glu14Gly). This variant is present in population databases (rs750708224, gnomAD 0.003%). In summary, the available evidence is currently insufficient to determine the role of this variant in disease. Therefore, it has been classified as a Variant of Uncertain Significance. Advanced modeling of protein sequence and biophysical properties (such as structural, functional, and spatial information, amino acid conservation, physicochemical variation, residue mobility, and thermodynamic stability) has been performed at Invitae for this missense variant, however the output from this modeling did not meet the statistical confidence thresholds required to predict the impact of this variant on STK11 protein function. ClinVar contains an entry for this variant (Variation ID: 185666). This variant has not been reported in the literature in individuals affected with STK11-related conditions.

GeneDx
Classification: Uncertain significance. Last evaluated: 2023-06-05. Review status: criteria provided, single submitter. Criteria: GeneDx Variant Classification Process June 2021. Collection method: clinical testing. Allele origin: germline. Affected: yes.
Comment: Not observed at significant frequency in large population cohorts (gnomAD); In silico analysis supports that this missense variant does not alter protein structure/function; Has not been previously published as pathogenic or benign to our knowledge

Genome-Nilou Lab
Classification: Uncertain significance for Peutz-Jeghers syndrome. Last evaluated: 2021-07-15. Review status: criteria provided, single submitter. Criteria: ACMG Guidelines, 2015. Collection method: clinical testing. Allele origin: germline. Affected: no.

Literature cited by the submitters: PubMed 27060149 (cited by All of Us Research Program, National Institutes of Health).